The following is an entry in ClinVar:

ClinVar aggregate classification (germline): Uncertain significance. Review status: criteria provided, multiple submitters, no conflicts (2 of 4 stars). 3 submissions from 3 submitters: Uncertain significance (3). Last evaluated 2023-12-01.

Conditions:
Gnathodiaphyseal dysplasia (GDD). Also called: OSTEOGENESIS IMPERFECTA WITH UNUSUAL SKELETAL LESIONS; GNATHODIAPHYSEAL SCLEROSIS. Identifiers: Orphanet 53697, MedGen C1833736, MONDO:0008151, OMIM 166260.
Autosomal recessive limb-girdle muscular dystrophy type 2L (LGMDR12). Also called: Limb-girdle muscular dystrophy, type 2L; Limb-Girdle Muscular Dystrophy R12 Anoctamin-5-Related (LGMD-R12); MUSCULAR DYSTROPHY, LIMB-GIRDLE, AUTOSOMAL RECESSIVE 12. Identifiers: Orphanet 206549, MedGen C1969785, MONDO:0012652, OMIM 611307.

Allele frequency attached by ClinVar (database versions not stated): TOPMed 0.00001; gnomAD 0.00002; gnomAD exomes 0.00002 and below 0.00001; ExAC 0.00001; ESP Exome Variant Server 0.00008.
gnomAD v4.1: 29 of 1,612,810 alleles (0.0018%); highest among the groups gnomAD compares: Non-Finnish European, 0.0024%; no homozygotes.

Submissions (3):

CeGaT Center for Human Genetics Tuebingen
Classification: Uncertain significance. Last evaluated: 2023-12-01. Review status: criteria provided, single submitter. Criteria: CeGaT Center For Human Genetics Tuebingen Variant Classification Criteria Version 2. Collection method: clinical testing. Allele origin: germline. Affected: yes. Observed: 2 variant alleles.

Labcorp Genetics (formerly Invitae), Labcorp
Classification: Uncertain significance for Autosomal recessive limb-girdle muscular dystrophy type 2L; Gnathodiaphyseal dysplasia. Last evaluated: 2023-10-05. Review status: criteria provided, single submitter. Criteria: Invitae Variant Classification Sherloc (09022015). Collection method: clinical testing. Allele origin: germline.
Comment: This sequence change replaces aspartic acid, which is acidic and polar, with histidine, which is basic and polar, at codon 860 of the ANO5 protein (p.Asp860His). This variant is present in population databases (rs145362994, gnomAD 0.007%). This variant has not been reported in the literature in individuals affected with ANO5-related conditions. ClinVar contains an entry for this variant (Variation ID: 662800). Advanced modeling of protein sequence and biophysical properties (such as structural, functional, and spatial information, amino acid conservation, physicochemical variation, residue mobility, and thermodynamic stability) has been performed at Invitae for this missense variant, however the output from this modeling did not meet the statistical confidence thresholds required to predict the impact of this variant on ANO5 protein function. In summary, the available evidence is currently insufficient to determine the role of this variant in disease. Therefore, it has been classified as a Variant of Uncertain Significance.

Revvity Omics, Revvity
Classification: Uncertain significance. Last evaluated: 2019-05-07. Review status: criteria provided, single submitter. Criteria: ACMG Guidelines, 2015. Collection method: clinical testing. Allele origin: germline.

NM_213599.3(ANO5):c.2578G>C (p.Asp860His)

Gene: ANO5 (anoctamin 5; plus strand). Cytogenetic location: 11p14.3.
Variant type: single nucleotide variant.
Coding change: c.2578G>C on transcript NM_213599.3 (MANE Select); coding-DNA position 2578, G replaced by C.
Protein change: p.Asp860His; replaces aspartic acid 860 with histidine.
Molecular consequence: missense variant.
Genome position (GRCh38, 1-based): chr11:22,279,601, G>C. VCF-style: chr11-22279601-G-C. GRCh37 (hg19) VCF-style: chr11-22301147-G-C.
Other names: c.2575G>C, p.Asp859His (NM_001142649.2); short protein forms D859H, D860H.
Identifiers: ClinVar variation 662800 (VCV000662800.45), dbSNP rs145362994, ClinGen allele CA5923622.